The following is an entry in ClinVar:

ClinVar aggregate classification (germline): Uncertain significance. Review status: criteria provided, multiple submitters, no conflicts (2 of 4 stars). 2 submissions from 2 submitters: Uncertain significance (2). Last evaluated 2025-12-18.

Allele frequency attached by ClinVar (database versions not stated): ExAC 0.00018; gnomAD 0.00025; gnomAD exomes 0.00032; TOPMed 0.00032; ESP Exome Variant Server 0.00038.
gnomAD v4.1: 505 of 1,612,470 alleles (0.031%); highest among the groups gnomAD compares: Middle Eastern, 0.049%; 1 homozygote.

Submissions (2):

Labcorp Genetics (formerly Invitae), Labcorp
Classification: Uncertain significance. Last evaluated: 2025-12-18. Review status: criteria provided, single submitter. Criteria: Invitae Variant Classification Sherloc (09022015). Collection method: clinical testing. Allele origin: germline.
Comment: This sequence change replaces arginine, which is basic and polar, with tryptophan, which is neutral and slightly polar, at codon 401 of the EIF2AK1 protein (p.Arg401Trp). This variant is present in population databases (rs142287286, gnomAD 0.03%). This variant has not been reported in the literature in individuals affected with EIF2AK1-related conditions. ClinVar contains an entry for this variant (Variation ID: 2069996). An algorithm developed to predict the effect of missense changes on protein structure and function (PolyPhen-2) suggests that this variant is likely to be tolerated. In summary, the available evidence is currently insufficient to determine the role of this variant in disease. Therefore, it has been classified as a Variant of Uncertain Significance.

Ambry Genetics
Classification: Uncertain significance. Last evaluated: 2025-06-07. Review status: criteria provided, single submitter. Criteria: Ambry Variant Classification Scheme 2023. Collection method: clinical testing. Allele origin: germline.

NM_014413.4(EIF2AK1):c.1201C>T (p.Arg401Trp)

Gene: EIF2AK1 (eukaryotic translation initiation factor 2 alpha kinase 1; minus strand). Cytogenetic location: 7p22.1.
Variant type: single nucleotide variant.
Coding change: c.1201C>T on transcript NM_014413.4 (MANE Select); coding-DNA position 1201, C replaced by T.
Protein change: p.Arg401Trp; replaces arginine 401 with tryptophan.
Molecular consequence: missense variant.
Genome position (GRCh38, 1-based): chr7:6,038,590, G>A on the plus strand (C>T on the coding strand, the complement: EIF2AK1 is on the minus strand). VCF-style: chr7-6038590-G-A. GRCh37 (hg19) VCF-style: chr7-6078221-G-A.
Other names: c.1198C>T, p.Arg400Trp (NM_001134335.2); c.1201C>T (NM_014413.3); short protein forms R400W, R401W.
Identifiers: ClinVar variation 2069996 (VCV002069996.6), dbSNP rs142287286, ClinGen allele CA4150923.